The following is an entry in ClinVar:

ClinVar aggregate classification (germline): Uncertain significance. Review status: criteria provided, multiple submitters, no conflicts (2 of 4 stars). 2 submissions from 2 submitters: Uncertain significance (2). Last evaluated 2021-03-01.

Conditions:
Cardiovascular phenotype. Identifiers: MedGen CN230736.
Brugada syndrome. Also called: Sudden unexpected nocturnal death syndrome; Sudden unexplained nocturnal death syndrome; Sudden Unexplained Death Syndrome; Sudden Unexplained Nocturnal Death Syndrome (SUNDS). Identifiers: Orphanet 130, MedGen C1142166, MONDO:0015263.

Allele frequency attached by ClinVar (database versions not stated): gnomAD exomes below 0.00001; gnomAD 0.00001; TOPMed 0.00001.
gnomAD v4.1: 1 of 1,612,602 alleles (0.000062%); highest among the groups gnomAD compares: African/African-American, 0.0013%; no homozygotes.

Submissions (2):

Labcorp Genetics (formerly Invitae), Labcorp
Classification: Uncertain significance for Brugada syndrome. Last evaluated: 2021-03-01. Review status: criteria provided, single submitter. Criteria: Invitae Variant Classification Sherloc (09022015). Collection method: clinical testing. Allele origin: germline.
Comment: This variant has not been reported in the literature in individuals with CACNA2D1-related conditions. Algorithms developed to predict the effect of missense changes on protein structure and function (SIFT, PolyPhen-2, Align-GVGD) all suggest that this variant is likely to be tolerated, but these predictions have not been confirmed by published functional studies and their clinical significance is uncertain. In summary, the available evidence is currently insufficient to determine the role of this variant in disease. Therefore, it has been classified as a Variant of Uncertain Significance. This sequence change replaces alanine with valine at codon 907 of the CACNA2D1 protein (p.Ala907Val). The alanine residue is moderately conserved and there is a small physicochemical difference between alanine and valine. This variant is not present in population databases (ExAC no frequency).

Ambry Genetics
Classification: Uncertain significance for Cardiovascular phenotype. Last evaluated: 2020-07-02. Review status: criteria provided, single submitter. Criteria: Ambry Variant Classification Scheme 2023. Collection method: clinical testing. Allele origin: germline.
Comment: The p.A907V variant (also known as c.2720C>T), located in coding exon 33 of the CACNA2D1 gene, results from a C to T substitution at nucleotide position 2720. The alanine at codon 907 is replaced by valine, an amino acid with similar properties. This amino acid position is not well conserved in available vertebrate species, and valine is the reference amino acid in other vertebrate species. In addition, this alteration is predicted to be tolerated by in silico analysis. Since supporting evidence is limited at this time, the clinical significance of this alteration remains unclear.

NM_000722.4(CACNA2D1):c.2720C>T (p.Ala907Val)

Gene: CACNA2D1 (calcium voltage-gated channel auxiliary subunit alpha2delta 1; minus strand). Cytogenetic location: 7q21.11.
Variant type: single nucleotide variant.
Coding change: c.2720C>T on transcript NM_000722.4 (MANE Select); coding-DNA position 2720, C replaced by T.
Protein change: p.Ala907Val; replaces alanine 907 with valine.
Molecular consequence: missense variant.
Genome position (GRCh38, 1-based): chr7:81,964,214, G>A on the plus strand (C>T on the coding strand, the complement: CACNA2D1 is on the minus strand). VCF-style: chr7-81964214-G-A. GRCh37 (hg19) VCF-style: chr7-81593530-G-A.
Other names: c.2756C>T, p.Ala919Val (NM_001366867.1); short protein forms A907V, A919V.
Identifiers: ClinVar variation 1376320 (VCV001376320.10), dbSNP rs1214105842, ClinGen allele CA367884630.